The following is an entry in ClinVar:

ClinVar aggregate classification (germline): Uncertain significance. Review status: criteria provided, multiple submitters, no conflicts (2 of 4 stars). 5 submissions from 5 submitters: Uncertain significance (4). 1 of the submissions does not count toward it. Last evaluated 2024-08-31.

Conditions:
Usher syndrome type 1B (USH1B). Also called: Usher syndrome type IB. Identifiers: MedGen C1848638, MONDO:0700087.
Inborn genetic diseases. Identifiers: MedGen C0950123, MeSH D030342.

Allele frequency attached by ClinVar (database versions not stated): gnomAD exomes 0.00005 and 0.00001; TOPMed 0.00004; ExAC 0.00001; gnomAD 0.00003.
gnomAD v4.1: 78 of 1,613,320 alleles (0.0048%); highest among the groups gnomAD compares: Non-Finnish European, 0.0059%; no homozygotes.

Submissions (5):

Labcorp Genetics (formerly Invitae), Labcorp
Classification: Uncertain significance. Last evaluated: 2024-08-31. Review status: criteria provided, single submitter. Criteria: Invitae Variant Classification Sherloc (09022015). Collection method: clinical testing. Allele origin: germline.
Comment: This sequence change replaces arginine, which is basic and polar, with histidine, which is basic and polar, at codon 1591 of the MYO7A protein (p.Arg1591His). This variant is present in population databases (rs771059248, gnomAD 0.002%). This variant has not been reported in the literature in individuals affected with MYO7A-related conditions. ClinVar contains an entry for this variant (Variation ID: 970840). Invitae Evidence Modeling of protein sequence and biophysical properties (such as structural, functional, and spatial information, amino acid conservation, physicochemical variation, residue mobility, and thermodynamic stability) indicates that this missense variant is not expected to disrupt MYO7A protein function with a negative predictive value of 95%. In summary, the available evidence is currently insufficient to determine the role of this variant in disease. Therefore, it has been classified as a Variant of Uncertain Significance.

Ambry Genetics
Classification: Uncertain significance for Inborn genetic diseases. Last evaluated: 2022-11-08. Review status: criteria provided, single submitter. Criteria: Ambry Variant Classification Scheme 2023. Collection method: clinical testing. Allele origin: germline.

Blueprint Genetics
Classification: Uncertain significance. Last evaluated: 2021-03-11. Review status: criteria provided, single submitter. Criteria: ACMG Guidelines, 2015. Collection method: clinical testing. Allele origin: germline.

GeneDx
Classification: Uncertain significance. Last evaluated: 2020-07-08. Review status: criteria provided, single submitter. Criteria: GeneDx Variant Classification Process June 2021. Collection method: clinical testing. Allele origin: germline. Affected: yes.
Comment: In silico analysis supports that this missense variant has a deleterious effect on protein structure/function; Has not been previously published as pathogenic or benign to our knowledge

Natera, Inc.
Classification: Uncertain significance for Usher syndrome type 1B. Last evaluated: 2021-04-21. Review status: no assertion criteria provided. Collection method: clinical testing. Allele origin: germline. Not counted in ClinVar's aggregate classification.

NM_000260.4(MYO7A):c.4772G>A (p.Arg1591His)

Gene: MYO7A (myosin VIIA; plus strand). Cytogenetic location: 11q13.5.
Variant type: single nucleotide variant.
Coding change: c.4772G>A on transcript NM_000260.4 (MANE Select); coding-DNA position 4772, G replaced by A.
Protein change: p.Arg1591His; replaces arginine 1591 with histidine.
Molecular consequence: missense variant.
Genome position (GRCh38, 1-based): chr11:77,199,738, G>A. VCF-style: chr11-77199738-G-A. GRCh37 (hg19) VCF-style: chr11-76910783-G-A.
Other names: c.4658G>A, p.Arg1553His (NM_001127180.2); c.4625G>A, p.Arg1542His (NM_001369365.1); short protein forms R1542H, R1553H, R1591H.
Identifiers: ClinVar variation 970840 (VCV000970840.9), dbSNP rs771059248, ClinGen allele CA6198541.